The following is an entry in ClinVar:

NM_012186.3(FOXE3):c.956T>A (p.Leu319Gln)

Genes: FOXE3 (forkhead box E3; plus strand), LINC01389 (long independently transcribed non-coding RNA 1389; minus strand). Cytogenetic location: 1p33.
Variant type: single nucleotide variant.
Coding change: c.956T>A on transcript NM_012186.3 (MANE Select); coding-DNA position 956, T replaced by A.
Protein change: p.Leu319Gln; replaces leucine 319 with glutamine.
Molecular consequence: missense variant.
Genome position (GRCh38, 1-based): chr1:47,417,271, T>A. VCF-style: chr1-47417271-T-A. GRCh37 (hg19) VCF-style: chr1-47882943-T-A.
Other names: short protein forms L319Q.
Identifiers: ClinVar variation 861248 (VCV000861248.9), dbSNP rs1308848565, ClinGen allele CA340251202.

ClinVar aggregate classification (germline): Uncertain significance. Review status: criteria provided, multiple submitters, no conflicts (2 of 4 stars). 2 submissions from 2 submitters: Uncertain significance (2). Last evaluated 2024-09-15.

Conditions:
Congenital primary aphakia. Also called: ANTERIOR SEGMENT DYSGENESIS 2; Anterior segment dysgenesis 2, multiple subtypes. Identifiers: Orphanet 83461, MedGen C1853230, MONDO:0012456, OMIM 610256.
Anterior segment dysgenesis. Also called: Ocular anterior segment dysgenesis. Identifiers: Orphanet 88632, MedGen C1862839, MONDO:0019503, HP:0007700.
Cardiovascular phenotype. Identifiers: MedGen CN230736.

Allele frequency attached by ClinVar (database versions not stated): TOPMed 0.00001; gnomAD 0.00002 and 0.00003.

Submissions (2):

Ambry Genetics
Classification: Uncertain significance for Cardiovascular phenotype. Last evaluated: 2024-09-15. Review status: criteria provided, single submitter. Criteria: Ambry Variant Classification Scheme 2023. Collection method: clinical testing. Allele origin: germline.
Comment: The p.L319Q variant (also known as c.956T>A), located in coding exon 1 of the FOXE3 gene, results from a T to A substitution at nucleotide position 956. The leucine at codon 319 is replaced by glutamine, an amino acid with dissimilar properties. This amino acid position is conserved. In addition, the in silico prediction for this alteration is inconclusive. Based on the available evidence, the clinical significance of this variant remains unclear.

Labcorp Genetics (formerly Invitae), Labcorp
Classification: Uncertain significance for Anterior segment dysgenesis; Congenital primary aphakia. Last evaluated: 2024-03-19. Review status: criteria provided, single submitter. Criteria: Invitae Variant Classification Sherloc (09022015). Collection method: clinical testing. Allele origin: germline.
Comment: This sequence change replaces leucine, which is neutral and non-polar, with glutamine, which is neutral and polar, at codon 319 of the FOXE3 protein (p.Leu319Gln). This variant is present in population databases (no rsID available, gnomAD 0.1%). This variant has not been reported in the literature in individuals affected with FOXE3-related conditions. ClinVar contains an entry for this variant (Variation ID: 861248). An algorithm developed to predict the effect of missense changes on protein structure and function (PolyPhen-2) suggests that this variant is likely to be disruptive. In summary, the available evidence is currently insufficient to determine the role of this variant in disease. Therefore, it has been classified as a Variant of Uncertain Significance.